The following is an entry in ClinVar:

ClinVar aggregate classification (germline): Uncertain significance (1 of 4 stars; one submission).

Submission:

Labcorp Genetics (formerly Invitae), Labcorp
Classification: Uncertain significance. Last evaluated: 2023-11-14. Review status: criteria provided, single submitter. Criteria: Invitae Variant Classification Sherloc (09022015). Collection method: clinical testing. Allele origin: germline.
Comment: This sequence change results in a frameshift in the CDH2 gene (p.Asp906Glyfs*30). While this is not anticipated to result in nonsense mediated decay, it is expected to disrupt the last 1 amino acid(s) of the CDH2 protein and extend the protein by 28 additional amino acid residues. This variant is not present in population databases (gnomAD no frequency). This variant has not been reported in the literature in individuals affected with CDH2-related conditions. Experimental studies and prediction algorithms are not available or were not evaluated, and the functional significance of this variant is currently unknown. In summary, the available evidence is currently insufficient to determine the role of this variant in disease. Therefore, it has been classified as a Variant of Uncertain Significance.

NM_001792.5(CDH2):c.2716dup (p.Asp906fs)

Genes: CDH2 (cadherin 2; minus strand), CDH2-AS1 (CDH2 antisense RNA 1; plus strand). Cytogenetic location: 18q12.1.
Variant type: Duplication.
Coding change: c.2716dup on transcript NM_001792.5 (MANE Select); coding-DNA position 2716, one base duplicated (G; older notation c.2716dupG).
Protein change: p.Asp906fs; shifts the reading frame from aspartic acid 906.
Molecular consequence: frameshift variant.
Genome position (GRCh38, 1-based): chr18:27,952,158, C duplicated on the plus strand (G on the coding strand, the reverse complement: CDH2 is on the minus strand). VCF-style (leftmost placement, unchanged base first): chr18-27952157-T-TC. GRCh37 (hg19) VCF-style: chr18-25532121-T-TC.
Other names: c.2623dup, p.Asp875fs (NM_001308176.2); short protein forms D875fs, D906fs.
Identifiers: ClinVar variation 2695759 (VCV002695759.3), dbSNP rs2510768267, ClinGen allele CA2697555344.
Genomic context (GRCh38, chr18:27,952,157, plus strand): 5'-GGGAATATCAGTTGAAATTGTTTGTACTTGTCCAAAAACCAAGTTCACCCTGAAGTTCAG[T>TC]CATCACCTCCACCATACATGTCAGCAAGTTTCTTGAACCGTGGCCCCCAGTCGTTCAGGT-3'